The following is an entry in ClinVar:

ClinVar aggregate classification (germline): Likely benign (1 of 4 stars; one submission).

Allele frequency attached by ClinVar (database versions not stated): gnomAD exomes 0.00006; ExAC 0.00023; 1000 Genomes Project 30x 0.00031; 1000 Genomes Project 0.00040; gnomAD 0.00070; TOPMed 0.00088; ESP Exome Variant Server 0.00092.
gnomAD v4.1: 198 of 1,614,266 alleles (0.012%); highest among the groups gnomAD compares: African/African-American, 0.23%; no homozygotes.

Submission:

CeGaT Center for Human Genetics Tuebingen
Classification: Likely benign. Last evaluated: 2022-06-01. Review status: criteria provided, single submitter. Criteria: CeGaT Center For Human Genetics Tuebingen Variant Classification Criteria Version 2. Collection method: clinical testing. Allele origin: germline. Affected: yes. Observed: 1 variant allele.
Comment: ZKSCAN4: BP4, BP7

NM_019110.5(ZKSCAN4):c.231C>A (p.Leu77=)

Gene: ZKSCAN4 (zinc finger with KRAB and SCAN domains 4; minus strand). Cytogenetic location: 6p22.1.
Variant type: single nucleotide variant.
Coding change: c.231C>A on transcript NM_019110.5 (MANE Select); coding-DNA position 231, C replaced by A.
Protein change: p.Leu77=; no amino-acid change (leucine 77 retained).
Molecular consequence: synonymous variant. On other transcripts: intron variant (1).
Genome position (GRCh38, 1-based): chr6:28,251,750, G>T on the plus strand (C>A on the coding strand, the complement: ZKSCAN4 is on the minus strand). VCF-style: chr6-28251750-G-T. GRCh37 (hg19) VCF-style: chr6-28219528-G-T.
Other names: c.-42-1916C>A (NM_001304506.2).
Identifiers: ClinVar variation 2656319 (VCV002656319.24), dbSNP rs137931005, ClinGen allele CA3682668.